The following is an entry in ClinVar:

ClinVar aggregate classification (germline): Uncertain significance. Review status: criteria provided, multiple submitters, no conflicts (2 of 4 stars). 2 submissions from 2 submitters: Uncertain significance (2). Last evaluated 2025-06-16.

gnomAD v4.1: 15 of 1,611,200 alleles (0.00093%); highest among the groups gnomAD compares: Admixed American, 0.0017%; no homozygotes.

Submissions (2):

Ambry Genetics
Classification: Uncertain significance. Last evaluated: 2025-06-16. Review status: criteria provided, single submitter. Criteria: Ambry Variant Classification Scheme 2023. Collection method: clinical testing. Allele origin: germline.

Labcorp Genetics (formerly Invitae), Labcorp
Classification: Uncertain significance. Last evaluated: 2024-06-13. Review status: criteria provided, single submitter. Criteria: Invitae Variant Classification Sherloc (09022015). Collection method: clinical testing. Allele origin: germline.
Comment: This sequence change replaces aspartic acid, which is acidic and polar, with histidine, which is basic and polar, at codon 601 of the SULF1 protein (p.Asp601His). This variant is present in population databases (rs771140718, gnomAD 0.0009%). This variant has not been reported in the literature in individuals affected with SULF1-related conditions. An algorithm developed to predict the effect of missense changes on protein structure and function (PolyPhen-2) suggests that this variant is likely to be tolerated. In summary, the available evidence is currently insufficient to determine the role of this variant in disease. Therefore, it has been classified as a Variant of Uncertain Significance.

NM_001128205.2(SULF1):c.1801G>C (p.Asp601His)

Gene: SULF1 (sulfatase 1; plus strand). Cytogenetic location: 8q13.3.
Variant type: single nucleotide variant.
Coding change: c.1801G>C on transcript NM_001128205.2 (MANE Select); coding-DNA position 1801, G replaced by C.
Protein change: p.Asp601His; replaces aspartic acid 601 with histidine.
Molecular consequence: missense variant. On other transcripts: non-coding transcript variant (7).
Genome position (GRCh38, 1-based): chr8:69,624,148, G>C. VCF-style: chr8-69624148-G-C. GRCh37 (hg19) VCF-style: chr8-70536383-G-C.
Other names: c.1801G>C, p.Asp601His (NM_001128204.2, NM_001128206.2, NM_001412828.1 and 9 more transcripts); c.1672G>C, p.Asp558His (NM_001412832.1, NM_001412838.1, NM_001412839.1 and 1 more transcripts); c.1744G>C, p.Asp582His (NM_001412836.1, NM_001412837.1); c.1615G>C, p.Asp539His (NM_001412841.1, NM_001412842.1); c.1201G>C, p.Asp401His (NM_001412844.1, NM_001412845.1); c.10G>C, p.Asp4His (NM_001412846.1); c.1801G>C (NM_001128205.1); short protein forms D401H, D558H, D582H, D539H, D4H, D601H.
Identifiers: ClinVar variation 3703784 (VCV003703784.3).